The following is an entry in ClinVar:

NM_000391.4(TPP1):c.209A>G (p.Asp70Gly)

Gene: TPP1 (tripeptidyl peptidase 1; minus strand). Cytogenetic location: 11p15.4.
Variant type: single nucleotide variant.
Coding change: c.209A>G on transcript NM_000391.4 (MANE Select); coding-DNA position 209, A replaced by G.
Protein change: p.Asp70Gly; replaces aspartic acid 70 with glycine.
Molecular consequence: missense variant.
Genome position (GRCh38, 1-based): chr11:6,618,796, T>C on the plus strand (A>G on the coding strand, the complement: TPP1 is on the minus strand). VCF-style: chr11-6618796-T-C. GRCh37 (hg19) VCF-style: chr11-6640027-T-C.
Other names: p.Asp70Gly; short protein forms D70G.
Identifiers: ClinVar variation 656067 (VCV000656067.11), dbSNP rs775780584, ClinGen allele CA5859030.
Genomic context (GRCh38, chr11:6,618,796, plus strand): 5'-CCACCGCATCCCACATCCTGTCCTCAGTCCCAAAAGGCACCGTATTGAGGAGAGCTGGGA[T>C]CCGACACAGCCTGCACCAGCTCCGAGAGTCTTTCCACATTCTGCTGTCTCAGGGCAAAGG-3'
Protein context (NP_000382.3, residues 60-80): RLSELVQAVS[Asp70Gly]PSSPQYGKYL

ClinVar aggregate classification (germline): Uncertain significance. Review status: criteria provided, multiple submitters, no conflicts (2 of 4 stars). 5 submissions from 5 submitters: Uncertain significance (4). 1 of the submissions does not count toward it. Last evaluated 2025-02-27.

Conditions:
Neuronal ceroid lipofuscinosis 2. Also called: JANSKY-BIELSCHOWSKY DISEASE NEURONAL CEROID LIPOFUSCINOSIS, LATE INFANTILE; TPP1-Related Neuronal Ceroid-Lipofuscinosis. Identifiers: Orphanet 168491, Orphanet 228349, Orphanet 79264, MedGen C1876161, MONDO:0008769, OMIM 204500.

Allele frequency attached by ClinVar (database versions not stated): gnomAD 0.00001; gnomAD exomes 0.00001 and 0.00003; ExAC 0.00001; TOPMed 0.00001.
gnomAD v4.1: 20 of 1,613,824 alleles (0.0012%); highest among the groups gnomAD compares: Middle Eastern, 0.033%; no homozygotes.

Submissions (5):

GeneDx
Classification: Uncertain significance. Last evaluated: 2025-02-27. Review status: criteria provided, single submitter. Criteria: GeneDx Variant Classification Process June 2021. Collection method: clinical testing. Allele origin: germline.
Comment: Not observed at significant frequency in large population cohorts (gnomAD); In silico analysis supports that this missense variant has a deleterious effect on protein structure/function; Has not been previously published as pathogenic or benign to our knowledge; In silico analysis is inconclusive as to whether the variant alters gene splicing. In the absence of RNA/functional studies, the actual effect of this sequence change is unknown.

Mayo Clinic Laboratories, Mayo Clinic
Classification: Uncertain significance. Last evaluated: 2023-11-13. Review status: criteria provided, single submitter. Criteria: ACMG Guidelines, 2015. Collection method: clinical testing. Allele origin: germline. Observed: 1 variant allele.
Comment: PP3, PM2_moderate

Labcorp Genetics (formerly Invitae), Labcorp
Classification: Uncertain significance. Last evaluated: 2022-06-22. Review status: criteria provided, single submitter. Criteria: Invitae Variant Classification Sherloc (09022015). Collection method: clinical testing. Allele origin: germline.
Comment: This sequence change replaces aspartic acid, which is acidic and polar, with glycine, which is neutral and non-polar, at codon 70 of the TPP1 protein (p.Asp70Gly). This variant is present in population databases (rs775780584, gnomAD 0.01%). This variant has not been reported in the literature in individuals affected with TPP1-related conditions. ClinVar contains an entry for this variant (Variation ID: 656067). Advanced modeling of protein sequence and biophysical properties (such as structural, functional, and spatial information, amino acid conservation, physicochemical variation, residue mobility, and thermodynamic stability) performed at Invitae indicates that this missense variant is expected to disrupt TPP1 protein function. Algorithms developed to predict the effect of sequence changes on RNA splicing suggest that this variant may disrupt the consensus splice site. In summary, the available evidence is currently insufficient to determine the role of this variant in disease. Therefore, it has been classified as a Variant of Uncertain Significance.

Baylor Genetics
Classification: Uncertain significance for Neuronal ceroid lipofuscinosis 2. Last evaluated: 2019-01-03. Review status: criteria provided, single submitter. Criteria: ACMG Guidelines, 2015. Collection method: clinical testing. Allele origin: unknown. Affected: yes.
Comment: This variant was determined to be of uncertain significance according to ACMG Guidelines, 2015 [PMID:25741868].

Natera, Inc.
Classification: Uncertain significance for Neuronal ceroid lipofuscinosis 2. Last evaluated: 2020-03-20. Review status: no assertion criteria provided. Collection method: clinical testing. Allele origin: germline. Not counted in ClinVar's aggregate classification.